The following is an entry in ClinVar:

NM_004519.4(KCNQ3):c.1988C>T (p.Thr663Ile)

Gene: KCNQ3 (potassium voltage-gated channel subfamily Q member 3; minus strand). Cytogenetic location: 8q24.22.
Variant type: single nucleotide variant.
Coding change: c.1988C>T on transcript NM_004519.4 (MANE Select); coding-DNA position 1988, C replaced by T.
Protein change: p.Thr663Ile; replaces threonine 663 with isoleucine.
Molecular consequence: missense variant.
Genome position (GRCh38, 1-based): chr8:132,129,893, G>A on the plus strand (C>T on the coding strand, the complement: KCNQ3 is on the minus strand). VCF-style: chr8-132129893-G-A. GRCh37 (hg19) VCF-style: chr8-133142140-G-A.
Other names: c.1628C>T, p.Thr543Ile (NM_001204824.2); short protein forms T663I, T543I.
Identifiers: ClinVar variation 1472928 (VCV001472928.8), dbSNP rs2130924084, ClinGen allele CA372217187.
Genomic context (GRCh38, chr8:132,129,893, plus strand): 5'-ATGGTTTTCAAATCGGAATACCTGTTGTCCTCCTTCTTCTCTGCTTCAGCTGGCGAGGAG[G>A]TGCCCTTGGTTGGGTAATACTCCGTGACCTGCACCTGCAACCGTTCCATGTGTTGCATGT-3'
Protein context (NP_004510.1, residues 653-673): QVTEYYPTKG[Thr663Ile]SSPAEAEKKE

ClinVar aggregate classification (germline): Uncertain significance (1 of 4 stars; one submission).

Conditions:
Benign neonatal seizures. Also called: Convulsions benign familial neonatal dominant form; Autosomal dominant form of benign neonatal seizures; Benign familial neonatal seizures; Benign familial neonatal epilepsy; Benign neonatal familial convulsions. Identifiers: Orphanet 1949, MedGen C0220669, MONDO:0016027.

Allele frequency attached by ClinVar (database versions not stated): gnomAD exomes below 0.00001.
gnomAD v4.1: 1 of 1,614,090 alleles (0.000062%); highest among the groups gnomAD compares: Non-Finnish European, 0.000085%; no homozygotes.

Submission:

Labcorp Genetics (formerly Invitae), Labcorp
Classification: Uncertain significance for Benign neonatal seizures. Last evaluated: 2024-02-26. Review status: criteria provided, single submitter. Criteria: Invitae Variant Classification Sherloc (09022015). Collection method: clinical testing. Allele origin: germline.
Comment: This sequence change replaces threonine, which is neutral and polar, with isoleucine, which is neutral and non-polar, at codon 663 of the KCNQ3 protein (p.Thr663Ile). This variant is not present in population databases (gnomAD no frequency). This variant has not been reported in the literature in individuals affected with KCNQ3-related conditions. ClinVar contains an entry for this variant (Variation ID: 1472928). Advanced modeling of protein sequence and biophysical properties (such as structural, functional, and spatial information, amino acid conservation, physicochemical variation, residue mobility, and thermodynamic stability) performed at Invitae indicates that this missense variant is not expected to disrupt KCNQ3 protein function with a negative predictive value of 80%. In summary, the available evidence is currently insufficient to determine the role of this variant in disease. Therefore, it has been classified as a Variant of Uncertain Significance.